The following is an entry in ClinVar:

ClinVar aggregate classification (germline): Likely benign. Review status: criteria provided, multiple submitters, no conflicts (2 of 4 stars). 4 submissions from 4 submitters: Likely benign (3). 1 of the submissions does not count toward it. Last evaluated 2026-08-01.

Conditions:
Epilepsy. Also called: Seizure disorder. Identifiers: MedGen C0014544, MeSH D004827, MONDO:0005027.
PIGQ-related disorder. Also called: PIGQ-related condition.

Allele frequency attached by ClinVar (database versions not stated): gnomAD exomes 0.00056 and 0.00088; gnomAD 0.00059 and 0.00060; TOPMed 0.00066; ExAC 0.00084; ESP Exome Variant Server 0.00094.
gnomAD v4.1: 1,319 of 1,552,764 alleles (0.085%); highest among the groups gnomAD compares: Middle Eastern, 0.2%; 1 homozygote.

Submissions (4):

CeGaT Center for Human Genetics Tuebingen
Classification: Likely benign. Last evaluated: 2026-08-01. Review status: criteria provided, single submitter. Criteria: CeGaT Center For Human Genetics Tuebingen Variant Classification Criteria Version 2. Collection method: clinical testing. Allele origin: germline. Affected: yes. Observed: 6 variant alleles.
Comment: PIGQ: BP4, BP7

Labcorp Genetics (formerly Invitae), Labcorp
Classification: Likely benign for Epilepsy. Last evaluated: 2026-02-02. Review status: criteria provided, single submitter. Criteria: Invitae Variant Classification Sherloc (09022015). Collection method: clinical testing. Allele origin: germline.

Blueprint Genetics
Classification: Likely benign. Last evaluated: 2024-09-11. Review status: criteria provided, single submitter. Criteria: ACMG Guidelines, 2015. Collection method: clinical testing. Allele origin: germline.

PreventionGenetics, part of Exact Sciences
Classification: Likely benign for PIGQ-related condition. Last evaluated: 2019-03-20. Review status: no assertion criteria provided. Collection method: clinical testing. Allele origin: germline. Not counted in ClinVar's aggregate classification.
Comment: This variant is classified as likely benign based on ACMG/AMP sequence variant interpretation guidelines (Richards et al. 2015 PMID: 25741868, with internal and published modifications).

NM_004204.5(PIGQ):c.918C>T (p.Ala306=)

Gene: PIGQ (phosphatidylinositol glycan anchor biosynthesis class Q; plus strand). Cytogenetic location: 16p13.3.
Variant type: single nucleotide variant.
Coding change: c.918C>T on transcript NM_004204.5 (MANE Select); coding-DNA position 918, C replaced by T.
Protein change: p.Ala306=; no amino-acid change (alanine 306 retained).
Molecular consequence: synonymous variant.
Genome position (GRCh38, 1-based): chr16:576,230, C>T. VCF-style: chr16-576230-C-T. GRCh37 (hg19) VCF-style: chr16-626230-C-T.
Other names: c.918C>T, p.Ala306= (NM_148920.4).
Identifiers: ClinVar variation 456057 (VCV000456057.37), dbSNP rs148911709, ClinGen allele CA7780025.